The following is an entry in ClinVar:

NM_019032.6(ADAMTSL4):c.2937G>A (p.Trp979Ter)

Gene: ADAMTSL4 (ADAMTS like 4; plus strand). Cytogenetic location: 1q21.2.
Variant type: single nucleotide variant.
Coding change: c.2937G>A on transcript NM_019032.6 (MANE Select); coding-DNA position 2937, G replaced by A.
Protein change: p.Trp979Ter; replaces tryptophan 979 with a stop codon.
Molecular consequence: nonsense.
Genome position (GRCh38, 1-based): chr1:150,559,460, G>A. VCF-style: chr1-150559460-G-A. GRCh37 (hg19) VCF-style: chr1-150531936-G-A.
Other names: c.2820G>A, p.Trp940Ter (NM_001288607.2); c.3006G>A, p.Trp1002Ter (NM_001288608.2); c.2937G>A, p.Trp979Ter (NM_001378596.1); short protein forms W1002*, W940*, W979*.
Identifiers: ClinVar variation 5019060 (VCV005019060.2).
Genomic context (GRCh38, chr1:150,559,460, plus strand): 5'-CCCTGCCCTGCAGCCCTGTCAAGGGCAGGCCTGCCAGGACCGATGGTTTTCCACGCCCTG[G>A]AGCCCAGTGAGTGTCTGGCTGCGCTGTCCTGCCCTGCTCAGCCTGGGCCCCTAGGGGAGG-3'

ClinVar aggregate classification (germline): Likely pathogenic (1 of 4 stars; one submission).

Conditions:
Ectopia lentis 2, isolated, autosomal recessive (ECTOL2). Identifiers: Orphanet 1885, MedGen C3541474, MONDO:0009152, OMIM 225100.
Ectopia lentis et pupillae. Also called: ECTOPIA LENTIS WITH ECTOPIA OF PUPIL. Identifiers: Orphanet 1885, MedGen C1644196, MONDO:0009153, OMIM 225200.

gnomAD v4.1: 1 of 1,613,140 alleles (0.000062%); highest among the groups gnomAD compares: Non-Finnish European, 0.000085%; no homozygotes.

Submission:

Juno Genomics, Hangzhou Juno Genomics, Inc
Classification: Likely pathogenic for Ectopia lentis et pupillae; Ectopia lentis 2, isolated, autosomal recessive. Review status: criteria provided, single submitter. Criteria: ACMG Guidelines, 2015. Collection method: clinical testing. Allele origin: germline.
Comment: Absent from controls (or at extremely low frequency if recessive) in Genome Aggregation Database.;Null variant in a gene where loss of function (LOF) is a known mechanism of disease.